The following is an entry in ClinVar:

NM_013339.4(ALG6):c.107G>A (p.Gly36Asp)

Gene: ALG6 (ALG6 alpha-1,3-glucosyltransferase; plus strand). Cytogenetic location: 1p31.3.
Variant type: single nucleotide variant.
Coding change: c.107G>A on transcript NM_013339.4 (MANE Select); coding-DNA position 107, G replaced by A.
Protein change: p.Gly36Asp; replaces glycine 36 with aspartic acid.
Molecular consequence: missense variant.
Genome position (GRCh38, 1-based): chr1:63,396,537, G>A. VCF-style: chr1-63396537-G-A. GRCh37 (hg19) VCF-style: chr1-63862208-G-A.
Other names: short protein forms G36D.
Identifiers: ClinVar variation 2701240 (VCV002701240.3), dbSNP rs1487950418, ClinGen allele CA340632742.

ClinVar aggregate classification (germline): Uncertain significance (1 of 4 stars; one submission).

Conditions:
ALG6-congenital disorder of glycosylation 1C (CDG1C). Also called: CARBOHYDRATE-DEFICIENT GLYCOPROTEIN SYNDROME, TYPE I, WITH DEFICIENT GLYCOSYLATION OF DOLICHOL-LINKED OLIGOSACCHARIDE; CARBOHYDRATE-DEFICIENT GLYCOPROTEIN SYNDROME, TYPE V; Congenital disorder of glycosylation type 1C; CDG Ic; Congenital disorder of glycosylation, type Ic. Identifiers: Orphanet 79320, MedGen C2930997, MONDO:0011291, OMIM 603147.

Allele frequency attached by ClinVar (database versions not stated): TOPMed below 0.00001.

Submission:

Labcorp Genetics (formerly Invitae), Labcorp
Classification: Uncertain significance for ALG6-congenital disorder of glycosylation 1C. Last evaluated: 2023-12-06. Review status: criteria provided, single submitter. Criteria: Invitae Variant Classification Sherloc (09022015). Collection method: clinical testing. Allele origin: germline.
Comment: This sequence change replaces glycine, which is neutral and non-polar, with aspartic acid, which is acidic and polar, at codon 36 of the ALG6 protein (p.Gly36Asp). This variant is not present in population databases (gnomAD no frequency). This variant has not been reported in the literature in individuals affected with ALG6-related conditions. Advanced modeling of protein sequence and biophysical properties (such as structural, functional, and spatial information, amino acid conservation, physicochemical variation, residue mobility, and thermodynamic stability) performed at Invitae indicates that this missense variant is expected to disrupt ALG6 protein function with a positive predictive value of 80%. In summary, the available evidence is currently insufficient to determine the role of this variant in disease. Therefore, it has been classified as a Variant of Uncertain Significance.